The following is an entry in ClinVar:

ClinVar aggregate classification (germline): Uncertain significance (1 of 4 stars; one submission).

gnomAD v4.1: 2 of 1,613,786 alleles (0.00012%); highest among the groups gnomAD compares: South Asian, 0.0011%; no homozygotes.

Submission:

Women's Health and Genetics/Laboratory Corporation of America, LabCorp
Classification: Uncertain significance. Last evaluated: 2026-01-19. Review status: criteria provided, single submitter. Criteria: LabCorp Variant Classification Summary - May 2015. Collection method: clinical testing. Allele origin: germline.
Comment: Variant summary: PSEN1 c.422G>T (p.Ser141Ile) results in a non-conservative amino acid change in the encoded protein sequence. Algorithms developed to predict the effect of missense changes on protein structure and function all suggest that this variant is likely to be disruptive. The variant was absent in 251472 control chromosomes. The available data on variant occurrences in the general population are insufficient to allow any conclusion about variant significance. To our knowledge, no occurrence of c.422G>T in individuals affected with PSEN1-related conditions and no experimental evidence demonstrating its impact on protein function have been reported. No submitters have cited clinical-significance assessments for this variant to ClinVar. Based on the evidence outlined above, the variant was classified as uncertain significance.

NM_000021.4(PSEN1):c.422G>T (p.Ser141Ile)

Gene: PSEN1 (presenilin 1; plus strand). Cytogenetic location: 14q24.2.
Variant type: single nucleotide variant.
Coding change: c.422G>T on transcript NM_000021.4 (MANE Select); coding-DNA position 422, G replaced by T.
Protein change: p.Ser141Ile; replaces serine 141 with isoleucine.
Molecular consequence: missense variant.
Genome position (GRCh38, 1-based): chr14:73,173,649, G>T. VCF-style: chr14-73173649-G-T. GRCh37 (hg19) VCF-style: chr14-73640357-G-T.
Other names: c.410G>T, p.Ser137Ile (NM_007318.3); short protein forms S137I, S141I.
Identifiers: ClinVar variation 4689266 (VCV004689266.1).